The following is an entry in ClinVar:

ClinVar aggregate classification (germline): Pathogenic (1 of 4 stars; one submission).

Conditions:
Norman-Roberts syndrome (LIS2). Also called: Lissencephaly 2 (Norman-Roberts type). Identifiers: Orphanet 89844, MedGen C0796089, MONDO:0009760, OMIM 257320.
Familial temporal lobe epilepsy 7. Identifiers: Orphanet 101046, MedGen C4225327, MONDO:0014639, OMIM 616436.

Submission:

Labcorp Genetics (formerly Invitae), Labcorp
Classification: Pathogenic for Familial temporal lobe epilepsy 7; Norman-Roberts syndrome. Last evaluated: 2025-09-23. Review status: criteria provided, single submitter. Criteria: Invitae Variant Classification Sherloc (09022015). Collection method: clinical testing. Allele origin: germline.
Comment: This sequence change creates a premature translational stop signal (p.Phe1971Tyrfs*44) in the RELN gene. It is expected to result in an absent or disrupted protein product. Loss-of-function variants in RELN are known to be pathogenic (PMID: 10973257, 26046367, 28454995). This variant is not present in population databases (gnomAD no frequency). This variant has not been reported in the literature in individuals affected with RELN-related conditions. For these reasons, this variant has been classified as Pathogenic.

Literature cited by the submitters: PubMed 10973257; PubMed 26046367; PubMed 28454995.

NM_005045.4(RELN):c.5911_5912insAT (p.Phe1971fs)

Gene: RELN (reelin; minus strand). Cytogenetic location: 7q22.1.
Variant type: Insertion.
Coding change: c.5911_5912insAT on transcript NM_005045.4 (MANE Select); coding-DNA positions 5911 to 5912, AT inserted.
Protein change: p.Phe1971fs; shifts the reading frame from phenylalanine 1971.
Molecular consequence: frameshift variant.
Genome position: GRCh38 VCF-style: chr7-103553717-A-AAT. GRCh37 (hg19) VCF-style: chr7-103194164-A-AAT.
Other names: c.5911_5912insAT, p.Phe1971fs (NM_173054.3); short protein forms F1971fs.
Identifiers: ClinVar variation 4786207 (VCV004786207.1).
Genomic context (GRCh38, chr7:103,553,717, plus strand): 5'-TACGGTGCCCCCTTTGAAGAATATGGACAATAAAGACCGATGTTACCACCAGGATAGAAA[A>AAT]ACCAATTGTCTTCTCTGGGCCCAAAATCAAATGTATCCAAGAGCATCACAGGGTTGTTTA-3'